The following is an entry in ClinVar:

ClinVar aggregate classification (germline): Uncertain significance. Review status: criteria provided, multiple submitters, no conflicts (2 of 4 stars). 2 submissions from 2 submitters: Uncertain significance (2). Last evaluated 2022-09-14.

Conditions:
Aicardi-Goutieres syndrome 4. Identifiers: Orphanet 51, MedGen C1835912, MONDO:0012472, OMIM 610333.

Allele frequency attached by ClinVar (database versions not stated): gnomAD 0.00001; ExAC 0.00006.
gnomAD v4.1: 10 of 1,577,268 alleles (0.00063%); highest among the groups gnomAD compares: South Asian, 0.0012%; no homozygotes.

Submissions (2):

Blueprint Genetics
Classification: Uncertain significance. Last evaluated: 2022-09-14. Review status: criteria provided, single submitter. Criteria: ACMG Guidelines, 2015. Collection method: clinical testing. Allele origin: germline.

Labcorp Genetics (formerly Invitae), Labcorp
Classification: Uncertain significance for Aicardi-Goutieres syndrome 4. Last evaluated: 2021-09-26. Review status: criteria provided, single submitter. Criteria: Invitae Variant Classification Sherloc (09022015). Collection method: clinical testing. Allele origin: germline.
Comment: This sequence change replaces glycine with aspartic acid at codon 37 of the RNASEH2A protein (p.Gly37Asp). The glycine residue is highly conserved and there is a moderate physicochemical difference between glycine and aspartic acid. This variant is present in population databases (rs11554405, ExAC 0.01%). This variant has not been reported in the literature in individuals affected with RNASEH2A-related conditions. Algorithms developed to predict the effect of missense changes on protein structure and function are either unavailable or do not agree on the potential impact of this missense change (SIFT: "Deleterious"; PolyPhen-2: "Probably Damaging"; Align-GVGD: "Class C0"). In summary, the available evidence is currently insufficient to determine the role of this variant in disease. Therefore, it has been classified as a Variant of Uncertain Significance.

NM_006397.3(RNASEH2A):c.110G>A (p.Gly37Asp)

Genes: RNASEH2A (ribonuclease H2 subunit A; plus strand), LOC117038795 (CRISPRi-FlowFISH-validated PRDX2 regulatory element 4; plus strand). Cytogenetic location: 19p13.13.
Variant type: single nucleotide variant.
Coding change: c.110G>A on transcript NM_006397.3 (MANE Select); coding-DNA position 110, G replaced by A.
Protein change: p.Gly37Asp; replaces glycine 37 with aspartic acid.
Molecular consequence: missense variant.
Genome position (GRCh38, 1-based): chr19:12,806,783, G>A. VCF-style: chr19-12806783-G-A. GRCh37 (hg19) VCF-style: chr19-12917597-G-A.
Other names: short protein forms G37D.
Identifiers: ClinVar variation 1407385 (VCV001407385.4), dbSNP rs11554405, ClinGen allele CA9231722.